The following is an entry in ClinVar:

ClinVar aggregate classification (germline): Uncertain significance (1 of 4 stars; one submission).

Allele frequency attached by ClinVar (database versions not stated): ESP Exome Variant Server 0.00016.

Submission:

Labcorp Genetics (formerly Invitae), Labcorp
Classification: Uncertain significance. Last evaluated: 2021-03-07. Review status: criteria provided, single submitter. Criteria: Invitae Variant Classification Sherloc (09022015). Collection method: clinical testing. Allele origin: germline.
Comment: This sequence change creates a premature translational stop signal (p.Glu854*) in the ITGAM gene. It is expected to result in an absent or disrupted protein product. However, the current clinical and genetic evidence is not sufficient to establish whether loss-of-function variants in ITGAM cause disease. This variant is present in population databases (rs199769892, ExAC 0.01%). This variant has not been reported in the literature in individuals with ITGAM-related conditions. In summary, the available evidence is currently insufficient to determine the role of this variant in disease. Therefore, it has been classified as a Variant of Uncertain Significance.

NM_000632.4(ITGAM):c.2560G>T (p.Glu854Ter)

Gene: ITGAM (integrin subunit alpha M; plus strand). Cytogenetic location: 16p11.2.
Variant type: single nucleotide variant.
Coding change: c.2560G>T on transcript NM_000632.4 (MANE Select); coding-DNA position 2560, G replaced by T.
Protein change: p.Glu854Ter; replaces glutamic acid 854 with a stop codon.
Molecular consequence: nonsense.
Genome position (GRCh38, 1-based): chr16:31,325,554, G>T. VCF-style: chr16-31325554-G-T. GRCh37 (hg19) VCF-style: chr16-31336875-G-T.
Other names: c.2563G>T, p.Glu855Ter (NM_001145808.2); short protein forms E854*, E855*.
Identifiers: ClinVar variation 1488148 (VCV001488148.6), dbSNP rs199769892, ClinGen allele CA8025867.